The following is an entry in ClinVar:

ClinVar aggregate classification (germline): Pathogenic. Review status: criteria provided, multiple submitters, no conflicts (2 of 4 stars). 3 submissions from 3 submitters: Pathogenic (3). Last evaluated 2024-04-02.

Conditions:
Bartter disease type 1. Also called: HYPERPROSTAGLANDIN E SYNDROME 1; Bartter Syndrome type 1; Bartter syndrome, type 1, antenatal; HYPOKALEMIC ALKALOSIS WITH HYPERCALCIURIA 1, ANTENATAL. Identifiers: Orphanet 112, Orphanet 620217, MedGen C1866495, MONDO:0100344, OMIM 601678, MONDO:0011127.

Allele frequency attached by ClinVar (database versions not stated): ExAC 0.00001; gnomAD 0.00001; gnomAD exomes 0.00002.
gnomAD v4.1: 31 of 1,607,622 alleles (0.0019%); highest among the groups gnomAD compares: Non-Finnish European, 0.0025%; no homozygotes.

Submissions (3):

Fulgent Genetics
Classification: Pathogenic for Bartter disease type 1. Last evaluated: 2024-04-02. Review status: criteria provided, single submitter. Criteria: ACMG Guidelines, 2015. Collection method: clinical testing. Allele origin: germline.

Labcorp Genetics (formerly Invitae), Labcorp
Classification: Pathogenic. Last evaluated: 2023-05-22. Review status: criteria provided, single submitter. Criteria: Invitae Variant Classification Sherloc (09022015). Collection method: clinical testing. Allele origin: germline.
Comment: This sequence change creates a premature translational stop signal (p.Gln656*) in the SLC12A1 gene. It is expected to result in an absent or disrupted protein product. Loss-of-function variants in SLC12A1 are known to be pathogenic (PMID: 8640224, 9585600, 19096086). The frequency data for this variant in the population databases is considered unreliable, as metrics indicate poor data quality at this position in the gnomAD database. This premature translational stop signal has been observed in individual(s) with Bartter syndrome (PMID: 18391953, 35348259). ClinVar contains an entry for this variant (Variation ID: 2500697). Algorithms developed to predict the effect of sequence changes on RNA splicing suggest that this variant may disrupt the consensus splice site. For these reasons, this variant has been classified as Pathogenic.

Victorian Clinical Genetics Services, Murdoch Childrens Research Institute
Classification: Pathogenic for Bartter disease type 1. Last evaluated: 2022-09-02. Review status: criteria provided, single submitter. Criteria: ACMG Guidelines, 2015. Collection method: clinical testing. Allele origin: germline. Inheritance: Autosomal recessive inheritance. Affected: yes.
Comment: Based on the classification scheme VCGS_Germline_v1.3.4, this variant is classified as Pathogenic. Following criteria are met: 0102 - Loss of function is a known mechanism of disease in this gene and is associated with type 1 Bartter syndrome (MIM# 601678). (I) 0106 - This gene is associated with autosomal recessive disease. (I) 0201 - Variant is predicted to cause nonsense-mediated decay (NMD) and loss of protein (premature termination codon is located at least 54 nucleotides upstream of the final exon-exon junction). (SP) 0251 - This variant is heterozygous. (I) 0304 - Variant is present in gnomAD (v2) <0.01 for a recessive condition (3 heterozygotes, 0 homozygotes). (SP) 0701 - Other NMD-predicted variants comparable to the one identified in this case have very strong previous evidence for pathogenicity. These variants have been reported as pathogenic, and observed in many compound heterozygous or homozygous individuals with type 1 Bartter syndrome (Decipher, PMID: 28000888). (SP) 0803 - This variant has limited previous evidence of pathogenicity in unrelated individuals. This variant has been observed in two unrelated compound heterozygous individuals with Bartter syndrome (PMID: 18391953). (SP) 0905 - No published segregation evidence has been identified for this variant. (I) 1007 - No published functional evidence has been identified for this variant. (I) 1102 - Strong phenotype match for this individual. (SP) 1201 - Heterozygous variant detected in trans with a second pathogenic heterozygous variant (p.(Gly478Arg)) in a recessive disease. (I) Legend: (SP) - Supporting pathogenic, (I) - Information, (SB) - Supporting benign

Literature cited by the submitters: PubMed 8640224 (cited by Labcorp Genetics (formerly Invitae), Labcorp); PubMed 9585600 (cited by Labcorp Genetics (formerly Invitae), Labcorp); PubMed 19096086 (cited by Labcorp Genetics (formerly Invitae), Labcorp); PubMed 18391953 (cited by Labcorp Genetics (formerly Invitae), Labcorp and Victorian Clinical Genetics Services, Murdoch Childrens Research Institute); PubMed 35348259 (cited by Labcorp Genetics (formerly Invitae), Labcorp); PubMed 28000888 (cited by Victorian Clinical Genetics Services, Murdoch Childrens Research Institute).

NM_000338.3(SLC12A1):c.1966C>T (p.Gln656Ter)

Gene: SLC12A1 (solute carrier family 12 member 1; plus strand). Cytogenetic location: 15q21.1.
Variant type: single nucleotide variant.
Coding change: c.1966C>T on transcript NM_000338.3 (MANE Select); coding-DNA position 1966, C replaced by T.
Protein change: p.Gln656Ter; replaces glutamine 656 with a stop codon.
Molecular consequence: nonsense.
Genome position (GRCh38, 1-based): chr15:48,255,834, C>T. VCF-style: chr15-48255834-C-T. GRCh37 (hg19) VCF-style: chr15-48548031-C-T.
Other names: c.1966C>T, p.Gln656Ter (NM_001184832.2, NM_001384136.1); short protein forms Q656*.
Identifiers: ClinVar variation 2500697 (VCV002500697.6), dbSNP rs781230604, ClinGen allele CA7547252.